The following is an entry in ClinVar:

ClinVar aggregate classification (germline): Pathogenic. Review status: reviewed by expert panel (3 of 4 stars). 3 submissions from 3 submitters: Pathogenic (1). 2 of the submissions do not count toward it. Last evaluated 2016-09-08.

Conditions:
Breast-ovarian cancer, familial, susceptibility to, 2 (BROVCA2). Also called: BRCA2 Hereditary Breast and Ovarian Cancer. Identifiers: Orphanet 145, MedGen C2675520, MONDO:0012933, OMIM 612555. Disease mechanism: loss of function.

Submissions (3):

Evidence-based Network for the Interpretation of Germline Mutant Alleles (ENIGMA)
Classification: Pathogenic for Breast-ovarian cancer, familial, susceptibility to, 2. Last evaluated: 2016-09-08. Review status: reviewed by expert panel. Criteria: ENIGMA BRCA1/2 Classification Criteria (2015). Collection method: curation. Allele origin: germline.
Comment: Variant allele predicted to encode a truncated non-functional protein.

Myriad Genetics, Inc.
Classification: Pathogenic for Breast-ovarian cancer, familial, susceptibility to, 2. Last evaluated: 2025-08-08. Review status: criteria provided, single submitter. Criteria: Myriad Autosomal Dominant, Autosomal Recessive and X-Linked Classification Criteria (2023). Collection method: clinical testing. Allele origin: unknown. Not counted in ClinVar's aggregate classification.
Comment: This variant is considered pathogenic. This variant creates a frameshift predicted to result in premature protein truncation.

Breast Cancer Information Core (BIC) (BRCA2)
Classification: Pathogenic for Breast-ovarian cancer, familial 2. Review status: no assertion criteria provided. Collection method: clinical testing. Allele origin: germline. Affected: yes. Observed: 1 variant allele. Not counted in ClinVar's aggregate classification.

NM_000059.4(BRCA2):c.6280_6286del (p.Tyr2094fs)

Gene: BRCA2 (BRCA2 DNA repair associated; plus strand). Cytogenetic location: 13q13.1.
Variant type: Deletion.
Coding change: c.6280_6286del on transcript NM_000059.4 (MANE Select); coding-DNA positions 6280 to 6286, 7 bases deleted (TATTCAC; older notation c.6280_6286delTATTCAC).
Protein change: p.Tyr2094fs; shifts the reading frame from tyrosine 2094.
Molecular consequence: frameshift variant.
Genome position (GRCh38, 1-based): chr13:32,340,635-32,340,641, TATTCAC deleted; deleting any 7 consecutive bases within chr13:32,340,630-32,340,641 gives the same sequence; the c. name uses the placement nearest the transcript's 3' end. VCF-style (leftmost placement, unchanged base first): chr13-32340629-CTTCACTA-C. GRCh37 (hg19) VCF-style: chr13-32914766-CTTCACTA-C.
Other names: 6508del7; c.6280_6286delTATTCAC (NM_000059.3); short protein forms Y2094fs.
Identifiers: ClinVar variation 52045 (VCV000052045.5), dbSNP rs80359572, ClinGen allele CA023816.
Genomic context (GRCh38, chr13:32,340,629, plus strand): 5'-TCCTTACACAAAGTTAAGGGAGTGTTAGAGGAATTTGATTTAATCAGAACTGAGCATAGT[CTTCACTA>C]TTCACCTACGTCTAGACAAAATGTATCAAAAATACTTCCTCGTGTTGATAAGAGAAACCC-3'